The following is an entry in ClinVar:

ClinVar aggregate classification (germline): Likely benign (1 of 4 stars; one submission).

Conditions:
Fabry disease. Also called: ALPHA-GALACTOSIDASE A DEFICIENCY; ANDERSON-FABRY DISEASE; CERAMIDE TRIHEXOSIDASE DEFICIENCY; GLA DEFICIENCY; HEREDITARY DYSTOPIC LIPIDOSIS; Angiokeratoma corporis diffusum. Identifiers: Orphanet 324, MedGen C0002986, MONDO:0010526, OMIM 301500, HP:0001071. Disease mechanism: Fabry disease is due to inactivating mutations in the X-linked GLA gene resulting in deficiency of the enzyme Alpha Galactosidase-A., loss of function.

Submission:

Genomenon, Inc
Classification: Likely benign for Fabry disease. Last evaluated: 2026-09-08. Review status: criteria provided, single submitter. Criteria: Genomenon Sequence Variant Interpretation Standards - Updated. Collection method: curation. Allele origin: germline. Affected: no.
Comment: GLA c.640-801G>T is an intronic variant located in intron 4. This variant has been reported in the published literature (PMID:11828341). It is absent or not present at a significant frequency in gnomAD. This variant is not predicted to impact splicing. In conclusion, we classify GLA c.640-801G>T as a likely benign variant.

Literature cited by the submitters: PubMed 11828341.

NM_000169.3(GLA):c.640-801G>T

Genes: GLA (galactosidase alpha; minus strand), RPL36A-HNRNPH2 (RPL36A-HNRNPH2 readthrough; plus strand). Cytogenetic location: Xq22.1.
Variant type: single nucleotide variant.
Coding change: c.640-801G>T on transcript NM_000169.3 (MANE Select); 801 bases into the intron before coding-DNA position 640, G replaced by T.
Molecular consequence: intron variant. On other transcripts: non-coding transcript variant (1).
Genome position (GRCh38, 1-based): chrX:101,399,747, C>A on the plus strand (G>T on the coding strand, the complement: GLA is on the minus strand). VCF-style: chrX-101399747-C-A. GRCh37 (hg19) VCF-style: chrX-100654735-C-A.
Other names: c.300+4290C>A (NM_001199973.2); c.177+7925C>A (NM_001199974.2); c.763-801G>T (NM_001406747.1); c.640-801G>T (NM_001406748.1).
Identifiers: ClinVar variation 4087121 (VCV004087121.2).